The following is an entry in ClinVar:

NM_005530.3(IDH3A):c.268A>G (p.Lys90Glu)

Gene: IDH3A (isocitrate dehydrogenase (NAD(+)) 3 catalytic subunit alpha; plus strand). Cytogenetic location: 15q25.1.
Variant type: single nucleotide variant.
Coding change: c.268A>G on transcript NM_005530.3 (MANE Select); coding-DNA position 268, A replaced by G.
Protein change: p.Lys90Glu; replaces lysine 90 with glutamic acid.
Molecular consequence: missense variant.
Genome position (GRCh38, 1-based): chr15:78,160,185, A>G. VCF-style: chr15-78160185-A-G. GRCh37 (hg19) VCF-style: chr15-78452527-A-G.
Other names: short protein forms K90E.
Identifiers: ClinVar variation 1393877 (VCV001393877.6), dbSNP rs1451924194, ClinGen allele CA393541695.

ClinVar aggregate classification (germline): Uncertain significance. Review status: criteria provided, multiple submitters, no conflicts (2 of 4 stars). 2 submissions from 2 submitters: Uncertain significance (2). Last evaluated 2024-10-29.

Allele frequency attached by ClinVar (database versions not stated): gnomAD 0.00001; TOPMed 0.00001.
gnomAD v4.1: 4 of 1,605,760 alleles (0.00025%); highest among the groups gnomAD compares: African/African-American, 0.0027%; no homozygotes.

Submissions (2):

Labcorp Genetics (formerly Invitae), Labcorp
Classification: Uncertain significance. Last evaluated: 2024-10-29. Review status: criteria provided, single submitter. Criteria: Invitae Variant Classification Sherloc (09022015). Collection method: clinical testing. Allele origin: germline.
Comment: This sequence change replaces lysine, which is basic and polar, with glutamic acid, which is acidic and polar, at codon 90 of the IDH3A protein (p.Lys90Glu). This variant is not present in population databases (gnomAD no frequency). This variant has not been reported in the literature in individuals affected with IDH3A-related conditions. ClinVar contains an entry for this variant (Variation ID: 1393877). Invitae Evidence Modeling of protein sequence and biophysical properties (such as structural, functional, and spatial information, amino acid conservation, physicochemical variation, residue mobility, and thermodynamic stability) indicates that this missense variant is not expected to disrupt IDH3A protein function with a negative predictive value of 80%. In summary, the available evidence is currently insufficient to determine the role of this variant in disease. Therefore, it has been classified as a Variant of Uncertain Significance.

Blueprint Genetics
Classification: Uncertain significance. Last evaluated: 2021-12-02. Review status: criteria provided, single submitter. Criteria: ACMG Guidelines, 2015. Collection method: clinical testing. Allele origin: germline.